The following is an entry in ClinVar:

NM_000372.5(TYR):c.61C>T (p.Pro21Ser)

Gene: TYR (tyrosinase; plus strand). Cytogenetic location: 11q14.3.
Variant type: single nucleotide variant.
Coding change: c.61C>T on transcript NM_000372.5 (MANE Select); coding-DNA position 61, C replaced by T.
Protein change: p.Pro21Ser; replaces proline 21 with serine.
Molecular consequence: missense variant.
Genome position (GRCh38, 1-based): chr11:89,178,014, C>T. VCF-style: chr11-89178014-C-T. GRCh37 (hg19) VCF-style: chr11-88911182-C-T.
Other names: short protein forms P21S.
Identifiers: ClinVar variation 3793 (VCV000003793.55), dbSNP rs61753178, ClinGen allele CA227575.

ClinVar aggregate classification (germline): Pathogenic. Review status: criteria provided, multiple submitters, no conflicts (2 of 4 stars). 11 submissions from 11 submitters: Pathogenic (9). 2 of the submissions do not count toward it. Last evaluated 2026-06-26.

Conditions:
Oculocutaneous albinism type 1A (OCA1A). Also called: Albinism, oculocutaneous, type IA. Identifiers: Orphanet 352731, Orphanet 79431, MedGen C4551504, MONDO:0008745, OMIM 203100. Disease mechanism: loss of function.
Oculocutaneous albinism type 1B (OCA1B). Also called: ALBINISM, OCULOCUTANEOUS, TYPE IB; ALBINISM, YELLOW MUTANT TYPE; YELLOW ALBINISM. Identifiers: Orphanet 352731, Orphanet 352737, Orphanet 79434, MedGen C1847024, MONDO:0011749, OMIM 606952.
SKIN/HAIR/EYE PIGMENTATION 3, LIGHT/DARK SKIN (SHEP3). Also called: SKIN/HAIR/EYE PIGMENTATION, VARIATION IN, 3; EYE COLOR 1; EYE COLOR, GREEN/BLUE; SKIN/HAIR/EYE PIGMENTATION 3, BLUE/GREEN EYE COLOR; SKIN/HAIR/EYE PIGMENTATION 3, FRECKLING. Identifiers: MedGen C2677190, OMIM 601800.
TYR-related disorder. Also called: TYR-related condition.

Allele frequency attached by ClinVar (database versions not stated): gnomAD 0.00001; gnomAD exomes 0.00002 and 0.00004; TOPMed 0.00002; ExAC 0.00005.

Submissions (11):

PreventionGenetics, part of Exact Sciences
Classification: Pathogenic for TYR-related condition. Last evaluated: 2026-06-26. Review status: criteria provided, single submitter. Criteria: ACMG Guidelines, 2015. Collection method: clinical testing. Allele origin: germline.
Comment: The TYR c.61C>T variant is predicted to result in the amino acid substitution p.Pro21Ser. This variant has been reported in the homozygous and compound heterozygous states in individuals with oculocutaneous albinism or unspecified retinal disease (Tripathi et al. 1992. PubMed ID: 1642278; Table S3, Marinakis et al. 2021. PubMed ID: 34008892; Table S3, Karali et al. 2022. PubMed ID: 36460718). An alternate substitution of this same amino acid residue (p.Pro21Leu) has been reported as segregating with disease in the homozygous state in a kindred with oculocutaneous albinism (Jaworek et al. 2012. PubMed ID: 22734612). This variant is present in 0.0077% of alleles in individuals of European (Non-Finnish) descent in gnomAD, and has been classified as pathogenic by several independent submitters in ClinVar (Variation ID: 3793). Given the evidence, we interpret this variant as pathogenic.

Labcorp Genetics (formerly Invitae), Labcorp
Classification: Pathogenic. Last evaluated: 2025-02-02. Review status: criteria provided, single submitter. Criteria: Invitae Variant Classification Sherloc (09022015). Collection method: clinical testing. Allele origin: germline.
Comment: This sequence change replaces proline, which is neutral and non-polar, with serine, which is neutral and polar, at codon 21 of the TYR protein (p.Pro21Ser). This variant is present in population databases (rs61753178, gnomAD 0.008%). This missense change has been observed in individuals with ocular albinism (PMID: 1642278, 13680365, 19060277, 20861488). ClinVar contains an entry for this variant (Variation ID: 3793). Invitae Evidence Modeling of protein sequence and biophysical properties (such as structural, functional, and spatial information, amino acid conservation, physicochemical variation, residue mobility, and thermodynamic stability) indicates that this missense variant is expected to disrupt TYR protein function with a positive predictive value of 95%. For these reasons, this variant has been classified as Pathogenic.

Blueprint Genetics
Classification: Pathogenic for TYR-related disorders. Last evaluated: 2024-11-05. Review status: criteria provided, single submitter. Criteria: ACMG Guidelines, 2015. Collection method: clinical testing. Allele origin: germline. Affected: yes. Observed: 5 variant alleles.

Fulgent Genetics
Classification: Pathogenic for Oculocutaneous albinism type 1A; SKIN/HAIR/EYE PIGMENTATION 3, LIGHT/DARK SKIN; Oculocutaneous albinism type 1B. Last evaluated: 2024-04-03. Review status: criteria provided, single submitter. Criteria: ACMG Guidelines, 2015. Collection method: clinical testing. Allele origin: germline.

Baylor Genetics
Classification: Pathogenic for SKIN/HAIR/EYE PIGMENTATION 3, LIGHT/DARK SKIN. Last evaluated: 2024-03-17. Review status: criteria provided, single submitter. Criteria: ACMG Guidelines, 2015. Collection method: clinical testing. Allele origin: unknown.

Pittsburgh Clinical Genomics Laboratory, University of Pittsburgh Medical Center
Classification: Pathogenic for Oculocutaneous albinism type 1B. Last evaluated: 2024-02-19. Review status: criteria provided, single submitter. Criteria: ACMG Guidelines, 2015. Collection method: clinical testing. Allele origin: germline. Inheritance: Autosomal recessive inheritance. Affected: yes.
Comment: This sequence variant is a single nucleotide substitution (C>T) at position 61 of the coding sequence of the TYR gene that results in a proline to serine amino acid change at residue 21 of the tyrosinase protein. This is a previously reported variant (ClinVar 3793) that has been observed in numerous homozygous and compound heterozygous individuals affected by oculocutaneous albinism (PMID: 1642278, 13680365, 19060277, 26167114, 27734839, 30472657). This variant is present in 11 of 403646 alleles (0.0027%) in the gnomAD population dataset. Multiple bioinformatic tools predict that this amino acid change would be damaging, and the Pro21 residue at this position is highly conserved across the vertebrate species examined. Studies examining the functional consequence of this variant have not been published, to our knowledge. Based upon the evidence, we consider this variant to be pathogenic. ACMG Criteria: PM2, PM3, PP2, PP3, PS4

3billion
Classification: Pathogenic for Oculocutaneous albinism type 1A. Last evaluated: 2022-09-01. Review status: criteria provided, single submitter. Criteria: ACMG Guidelines, 2015. Collection method: clinical testing. Allele origin: germline. Affected: yes. Observed: 1 heterozygote.
Comment: The variant is observed at an extremely low frequency in the gnomAD v2.1.1 dataset (total allele frequency: 0.004%). Missense changes are a common disease-causing mechanism. In silico tool predictions suggest damaging effect of the variant on gene or gene product (REVEL: 0.94; 3Cnet: 0.53). Same nucleotide change resulting in same amino acid change has been previously reported as pathogenic/likely pathogenic with strong evidence (ClinVar ID: VCV000003793). The variant has been reported with a pathogenic variant as either compound heterozygous or homozygous in at least one similarly affected unrelated individual (PMID: 1642278). A different missense change at the same codon (p.Pro21Leu) has been reported to be associated with TYR -related disorder (PMID: 22734612). Therefore, this variant is classified as Pathogenic according to the recommendation of ACMG/AMP guideline.

Genome-Nilou Lab
Classification: Pathogenic for Oculocutaneous albinism type 1A. Last evaluated: 2021-07-22. Review status: criteria provided, single submitter. Criteria: ACMG Guidelines, 2015. Collection method: clinical testing. Allele origin: germline. Affected: no.

CeGaT Center for Human Genetics Tuebingen
Classification: Pathogenic. Last evaluated: 2021-02-01. Review status: criteria provided, single submitter. Criteria: CeGaT Center For Human Genetics Tuebingen Variant Classification Criteria Version 2. Collection method: clinical testing. Allele origin: germline. Affected: yes. Observed: 3 variant alleles.

OMIM
Classification: Pathogenic for ALBINISM, OCULOCUTANEOUS, TYPE IA. Last evaluated: 1992-07-15. Review status: no assertion criteria provided. Collection method: literature only. Allele origin: germline. Not counted in ClinVar's aggregate classification.

Retina International
No classification provided. Review status: no classification provided. Collection method: not provided. Allele origin: not provided. Not counted in ClinVar's aggregate classification.

Literature cited by the submitters: PubMed 1642278 (cited by 4 submitters); PubMed 13680365 (cited by Labcorp Genetics (formerly Invitae), Labcorp and Pittsburgh Clinical Genomics Laboratory, University of Pittsburgh Medical Center); PubMed 19060277 (cited by Labcorp Genetics (formerly Invitae), Labcorp and Pittsburgh Clinical Genomics Laboratory, University of Pittsburgh Medical Center); PubMed 20861488 (cited by Labcorp Genetics (formerly Invitae), Labcorp); PubMed 26167114 (cited by Pittsburgh Clinical Genomics Laboratory, University of Pittsburgh Medical Center); PubMed 30472657 (cited by Pittsburgh Clinical Genomics Laboratory, University of Pittsburgh Medical Center); PubMed 27734839 (cited by Pittsburgh Clinical Genomics Laboratory, University of Pittsburgh Medical Center); PubMed 22734612 (cited by 3billion).